The following is an entry in ClinVar:

ClinVar aggregate classification (germline): Uncertain significance. Review status: criteria provided, multiple submitters, no conflicts (2 of 4 stars). 2 submissions from 2 submitters: Uncertain significance (2). Last evaluated 2024-04-14.

Conditions:
Immunodeficiency due to CD25 deficiency. Also called: IL2RA DEFICIENCY; IMMUNODEFICIENCY 41 WITH LYMPHOPROLIFERATION AND AUTOIMMUNITY; CD25 DEFICIENCY. Identifiers: Orphanet 169100, MedGen C1853392, MONDO:0011664, OMIM 606367.

Allele frequency attached by ClinVar (database versions not stated): ExAC 0.00001; gnomAD exomes 0.00001; TOPMed 0.00001; gnomAD 0.00002.

Submissions (2):

Women's Health and Genetics/Laboratory Corporation of America, LabCorp
Classification: Uncertain significance. Last evaluated: 2024-04-14. Review status: criteria provided, single submitter. Criteria: LabCorp Variant Classification Summary - May 2015. Collection method: clinical testing. Allele origin: germline.

Labcorp Genetics (formerly Invitae), Labcorp
Classification: Uncertain significance for Immunodeficiency due to CD25 deficiency. Last evaluated: 2022-11-01. Review status: criteria provided, single submitter. Criteria: Invitae Variant Classification Sherloc (09022015). Collection method: clinical testing. Allele origin: germline.
Comment: This sequence change falls in intron 2 of the IL2RA gene. It does not directly change the encoded amino acid sequence of the IL2RA protein. It affects a nucleotide within the consensus splice site. This variant is present in population databases (rs772838002, gnomAD 0.003%). This variant has not been reported in the literature in individuals affected with IL2RA-related conditions. ClinVar contains an entry for this variant (Variation ID: 649910). Variants that disrupt the consensus splice site are a relatively common cause of aberrant splicing (PMID: 17576681, 9536098). Algorithms developed to predict the effect of sequence changes on RNA splicing suggest that this variant may disrupt the consensus splice site. In summary, the available evidence is currently insufficient to determine the role of this variant in disease. Therefore, it has been classified as a Variant of Uncertain Significance.

Literature cited by the submitters: PubMed 17576681 (cited by Labcorp Genetics (formerly Invitae), Labcorp); PubMed 9536098 (cited by Labcorp Genetics (formerly Invitae), Labcorp).

NM_000417.3(IL2RA):c.256+5_256+13del

Gene: IL2RA (interleukin 2 receptor subunit alpha; minus strand). Cytogenetic location: 10p15.1.
Variant type: Deletion.
Coding change: c.256+5_256+13del on transcript NM_000417.3 (MANE Select); bases 5 to 13 of the intron after coding-DNA position 256, 9 bases deleted (GTGTCCCTT; older notation c.256+5_256+13delGTGTCCCTT).
Molecular consequence: intron variant.
Genome position (GRCh38, 1-based): chr10:6,025,821-6,025,829, AAGGGACAC deleted on the plus strand (GTGTCCCTT on the coding strand, the reverse complement: IL2RA is on the minus strand). VCF-style (leftmost placement, unchanged base first): chr10-6025820-GAAGGGACAC-G. GRCh37 (hg19) VCF-style: chr10-6067783-GAAGGGACAC-G.
Other names: c.256+5_256+13del (NM_001308243.2, NM_001308242.2); c.256+5_256+13delGTGTCCCTT (NM_000417.2, NM_000417.3).
Identifiers: ClinVar variation 649910 (VCV000649910.4), dbSNP rs772838002, ClinGen allele CA5397522.
Genomic context (GRCh38, chr10:6,025,820, plus strand): 5'-GAACAAAAGCTGGGCTCTGTCTCACTCTTTGCTGCAGTTCTTTTGTTCTTGGTAGTCACA[GAAGGGACAC>G]TTACCAGAGCTTGTGCATTGACATTGGTTGTCCCAGGACGAGTGGCTAGAGTTTCCTGTA-3'